The following is an entry in ClinVar:

NM_199420.4(POLQ):c.2477T>C (p.Ile826Thr)

Gene: POLQ (DNA polymerase theta; minus strand). Cytogenetic location: 3q13.33.
Variant type: single nucleotide variant.
Coding change: c.2477T>C on transcript NM_199420.4 (MANE Select); coding-DNA position 2477, T replaced by C.
Protein change: p.Ile826Thr; replaces isoleucine 826 with threonine.
Molecular consequence: missense variant.
Genome position (GRCh38, 1-based): chr3:121,493,523, A>G on the plus strand (T>C on the coding strand, the complement: POLQ is on the minus strand). VCF-style: chr3-121493523-A-G. GRCh37 (hg19) VCF-style: chr3-121212370-A-G.
Other names: short protein forms I826T.
Identifiers: ClinVar variation 1791852 (VCV001791852.2), dbSNP rs2546790653, ClinGen allele CA354107415.

ClinVar aggregate classification (germline): Uncertain significance (1 of 4 stars; one submission).

Submission:

Ambry Genetics
Classification: Uncertain significance. Last evaluated: 2024-03-18. Review status: criteria provided, single submitter. Criteria: Ambry Variant Classification Scheme 2023. Collection method: clinical testing. Allele origin: germline.
Comment: The p.I826T variant (also known as c.2477T>C), located in coding exon 15 of the POLQ gene, results from a T to C substitution at nucleotide position 2477. The isoleucine at codon 826 is replaced by threonine, an amino acid with similar properties. This amino acid position is conserved. In addition, this alteration is predicted to be tolerated by in silico analysis. Since supporting evidence is limited at this time, the clinical significance of this alteration remains unclear.